The following is an entry in ClinVar:

NM_025137.4(SPG11):c.2714C>A (p.Thr905Asn)

Gene: SPG11 (SPG11 vesicle trafficking associated, spatacsin; minus strand). Cytogenetic location: 15q21.1.
Variant type: single nucleotide variant.
Coding change: c.2714C>A on transcript NM_025137.4 (MANE Select); coding-DNA position 2714, C replaced by A.
Protein change: p.Thr905Asn; replaces threonine 905 with asparagine.
Molecular consequence: missense variant.
Genome position (GRCh38, 1-based): chr15:44,620,310, G>T on the plus strand (C>A on the coding strand, the complement: SPG11 is on the minus strand). VCF-style: chr15-44620310-G-T. GRCh37 (hg19) VCF-style: chr15-44912508-G-T.
Other names: c.2714C>A, p.Thr905Asn (NM_001160227.2, NM_001411132.1); short protein forms T905N.
Identifiers: ClinVar variation 2089488 (VCV002089488.4), dbSNP rs767471014, ClinGen allele CA7535156.
Genomic context (GRCh38, chr15:44,620,310, plus strand): 5'-ATAACATCAACAGTCAGAAGGGGCCATTTGTTCTGCTGAAGTGAAGCATAACTATGCTGG[G>T]TTTGAAATTCTCCAATCCATAAGATAATGTTTAACCAATCATGGCGAGCTGTGAGGTATC-3'
Protein context (NP_079413.3, residues 895-915): NIILWIGEFQ[Thr905Asn]QHSYASLQQN

ClinVar aggregate classification (germline): Uncertain significance (1 of 4 stars; one submission).

Conditions:
Hereditary spastic paraplegia 11. Also called: Spastic paraplegia, mental retardation and thin corpus callosum; Spastic Paraplegia 11; Nakamura Osame syndrome; Autosomal recessive hereditary spastic paraplegia, mental impairment, and thin corpus callosum; SPASTIC PARAPLEGIA, AUTOSOMAL RECESSIVE, COMPLICATED, WITH THIN CORPUS CALLOSUM; SPASTIC PARAPLEGIA, AUTOSOMAL RECESSIVE, WITH MENTAL IMPAIRMENT AND THIN CORPUS CALLOSUM. Identifiers: Orphanet 2822, MedGen C1858479, MONDO:0011445, OMIM 604360.

Submission:

Labcorp Genetics (formerly Invitae), Labcorp
Classification: Uncertain significance for Hereditary spastic paraplegia 11. Last evaluated: 2022-07-15. Review status: criteria provided, single submitter. Criteria: Invitae Variant Classification Sherloc (09022015). Collection method: clinical testing. Allele origin: germline.
Comment: In summary, the available evidence is currently insufficient to determine the role of this variant in disease. Therefore, it has been classified as a Variant of Uncertain Significance. Algorithms developed to predict the effect of missense changes on protein structure and function (SIFT, PolyPhen-2, Align-GVGD) all suggest that this variant is likely to be tolerated. This variant has not been reported in the literature in individuals affected with SPG11-related conditions. This variant is present in population databases (rs767471014, gnomAD 0.006%), including at least one homozygous and/or hemizygous individual. This sequence change replaces threonine, which is neutral and polar, with asparagine, which is neutral and polar, at codon 905 of the SPG11 protein (p.Thr905Asn).